The following is an entry in ClinVar:

ClinVar aggregate classification (germline): Conflicting classifications of pathogenicity. Review status: criteria provided, conflicting classifications (1 of 4 stars). 3 submissions from 3 submitters: Uncertain significance (2); Likely benign (1). Last evaluated 2023-03-03.

Conditions:
Inborn genetic diseases. Identifiers: MedGen C0950123, MeSH D030342.
Charcot-Marie-Tooth disease type 4. Also called: Charcot-Marie-Tooth disease, type IV; Charcot-Marie-Tooth, Type 4. Identifiers: Orphanet 64749, MedGen C4082197, MONDO:0018995.

Allele frequency attached by ClinVar (database versions not stated): ExAC 0.00002; gnomAD exomes 0.00002; TOPMed 0.00002; gnomAD 0.00004; ESP Exome Variant Server 0.00008.
gnomAD v4.1: 31 of 1,614,102 alleles (0.0019%); highest among the groups gnomAD compares: African/African-American, 0.0053%; no homozygotes.

Submissions (3):

Labcorp Genetics (formerly Invitae), Labcorp
Classification: Likely benign for Charcot-Marie-Tooth disease type 4. Last evaluated: 2023-03-03. Review status: criteria provided, single submitter. Criteria: Invitae Variant Classification Sherloc (09022015). Collection method: clinical testing. Allele origin: germline.

Ambry Genetics
Classification: Uncertain significance for Inborn genetic diseases. Last evaluated: 2022-10-03. Review status: criteria provided, single submitter. Criteria: Ambry Variant Classification Scheme 2023. Collection method: clinical testing. Allele origin: germline.
Comment: The p.H953P variant (also known as c.2858A>C), located in coding exon 11 of the SH3TC2 gene, results from an A to C substitution at nucleotide position 2858. The histidine at codon 953 is replaced by proline, an amino acid with similar properties. This amino acid position is not well conserved in available vertebrate species. In addition, the in silico prediction for this alteration is inconclusive. Since supporting evidence is limited at this time, the clinical significance of this alteration remains unclear.

Mayo Clinic Laboratories, Mayo Clinic
Classification: Uncertain significance. Last evaluated: 2020-09-16. Review status: criteria provided, single submitter. Criteria: ACMG Guidelines, 2015. Collection method: clinical testing. Allele origin: germline. Observed: 1 variant allele.

NM_024577.4(SH3TC2):c.2858A>C (p.His953Pro)

Gene: SH3TC2 (SH3 domain and tetratricopeptide repeats 2; minus strand). Cytogenetic location: 5q32.
Variant type: single nucleotide variant.
Coding change: c.2858A>C on transcript NM_024577.4 (MANE Select); coding-DNA position 2858, A replaced by C.
Protein change: p.His953Pro; replaces histidine 953 with proline.
Molecular consequence: missense variant.
Genome position (GRCh38, 1-based): chr5:149,026,874, T>G on the plus strand (A>C on the coding strand, the complement: SH3TC2 is on the minus strand). VCF-style: chr5-149026874-T-G. GRCh37 (hg19) VCF-style: chr5-148406437-T-G.
Other names: short protein forms H953P.
Identifiers: ClinVar variation 855870 (VCV000855870.16), dbSNP rs369278337, ClinGen allele CA3498923.